The following is an entry in ClinVar:

ClinVar aggregate classification (germline): Benign/Likely benign. Review status: criteria provided, multiple submitters, no conflicts (2 of 4 stars). 4 submissions from 4 submitters: Benign (1); Likely benign (3). Last evaluated 2025-10-21.

Conditions:
PRPF3-related disorder. Also called: PRPF3-related condition.
Retinal dystrophy. Also called: Inherited retinal dystrophy. Identifiers: Orphanet 71862, MedGen C0854723, MeSH D058499, MONDO:0019118, HP:0000556.

Allele frequency attached by ClinVar (database versions not stated): gnomAD 0.00004 and 0.00011; gnomAD exomes 0.00005 and 0.00016; TOPMed 0.00007; ExAC 0.00016; 1000 Genomes Project 30x 0.00094; 1000 Genomes Project 0.00120.
gnomAD v4.1: 87 of 1,612,624 alleles (0.0054%); highest among the groups gnomAD compares: East Asian, 0.15%; no homozygotes.

Submissions (4):

Labcorp Genetics (formerly Invitae), Labcorp
Classification: Likely benign. Last evaluated: 2025-10-21. Review status: criteria provided, single submitter. Criteria: Invitae Variant Classification Sherloc (09022015). Collection method: clinical testing. Allele origin: germline.

PreventionGenetics, part of Exact Sciences
Classification: Likely benign for PRPF3-related condition. Last evaluated: 2025-02-09. Review status: criteria provided, single submitter. Criteria: ACMG Guidelines, 2015. Collection method: clinical testing. Allele origin: germline.
Comment: This variant is classified as likely benign based on ACMG/AMP sequence variant interpretation guidelines (Richards et al. 2015 PMID: 25741868, with internal and published modifications).

Blueprint Genetics
Classification: Likely benign. Last evaluated: 2024-10-30. Review status: criteria provided, single submitter. Criteria: ACMG Guidelines, 2015. Collection method: clinical testing. Allele origin: germline.

Dept Of Ophthalmology, Nagoya University
Classification: Benign for Retinal dystrophy. Last evaluated: 2023-10-01. Review status: criteria provided, single submitter. Criteria: Submitter's publication. Collection method: research. Allele origin: germline. Affected: yes.

NM_004698.4(PRPF3):c.1407G>A (p.Met469Ile)

Gene: PRPF3 (pre-mRNA processing factor 3; plus strand). Cytogenetic location: 1q21.2.
Variant type: single nucleotide variant.
Coding change: c.1407G>A on transcript NM_004698.4 (MANE Select); coding-DNA position 1407, G replaced by A.
Protein change: p.Met469Ile; replaces methionine 469 with isoleucine.
Molecular consequence: missense variant. On other transcripts: non-coding transcript variant (4).
Genome position (GRCh38, 1-based): chr1:150,343,433, G>A. VCF-style: chr1-150343433-G-A. GRCh37 (hg19) VCF-style: chr1-150315909-G-A.
Other names: c.1407G>A (NM_004698.2); c.1002G>A, p.Met334Ile (NM_001350529.1); short protein forms M334I, M469I.
Identifiers: ClinVar variation 1139779 (VCV001139779.12), dbSNP rs587594838, ClinGen allele CA1075616.